The following is an entry in ClinVar:

ClinVar aggregate classification (germline): Uncertain significance (1 of 4 stars; one submission).

Conditions:
CEP290-related disorder. Also called: CEP290-related condition; CEP290-related disorders. Identifiers: MedGen CN239314.

Submission:

PreventionGenetics, part of Exact Sciences
Classification: Uncertain significance for CEP290-related condition. Last evaluated: 2026-01-27. Review status: criteria provided, single submitter. Criteria: ACMG Guidelines, 2015. Collection method: clinical testing. Allele origin: germline.
Comment: The CEP290 c.3493C>G variant is predicted to result in the amino acid substitution p.Gln1165Glu. To our knowledge, this variant has not been reported in the literature or in a large population database (gnomAD), indicating this variant is rare. At this time, the clinical significance of this variant is uncertain due to the absence of conclusive functional and genetic evidence.

NM_025114.4(CEP290):c.3493C>G (p.Gln1165Glu)

Gene: CEP290 (centrosomal protein 290; minus strand). Cytogenetic location: 12q21.32.
Variant type: single nucleotide variant.
Coding change: c.3493C>G on transcript NM_025114.4 (MANE Select); coding-DNA position 3493, C replaced by G.
Protein change: p.Gln1165Glu; replaces glutamine 1165 with glutamic acid.
Molecular consequence: missense variant.
Genome position (GRCh38, 1-based): chr12:88,090,808, G>C on the plus strand (C>G on the coding strand, the complement: CEP290 is on the minus strand). VCF-style: chr12-88090808-G-C. GRCh37 (hg19) VCF-style: chr12-88484585-G-C.
Other names: short protein forms Q1165E.
Identifiers: ClinVar variation 4983131 (VCV004983131.1).
Genomic context (GRCh38, chr12:88,090,808, plus strand): 5'-TTCTGAGGGACTCTACTTCCTTGTCCCTAGATTGTTGTTGTGCATTCAAAATTTCAACTT[G>C]TCTTCTGGCAATATCAGAAATCTCTCTCAGTCTAGGAAATGATAAGGTATTTCAGGAACA-3'
Protein context (NP_079390.3, residues 1155-1175): LREISDIARR[Gln1165Glu]VEILNAQQQS